The following is an entry in ClinVar:

NM_015910.7(WDPCP):c.779A>T (p.Asp260Val)

Gene: WDPCP (WD repeat containing planar cell polarity effector; minus strand). Cytogenetic location: 2p15.
Variant type: single nucleotide variant.
Coding change: c.779A>T on transcript NM_015910.7 (MANE Select); coding-DNA position 779, A replaced by T.
Protein change: p.Asp260Val; replaces aspartic acid 260 with valine.
Molecular consequence: missense variant. On other transcripts: non-coding transcript variant (3).
Genome position (GRCh38, 1-based): chr2:63,433,791, T>A on the plus strand (A>T on the coding strand, the complement: WDPCP is on the minus strand). VCF-style: chr2-63433791-T-A. GRCh37 (hg19) VCF-style: chr2-63660925-T-A.
Other names: c.302A>T, p.Asp101Val (NM_001042692.3); c.707A>T, p.Asp236Val (NM_001354044.2); c.779A>T, p.Asp260Val (NM_001354045.2); short protein forms D101V, D236V, D260V.
Identifiers: ClinVar variation 1483418 (VCV001483418.6), dbSNP rs2105466361, ClinGen allele CA347062376.

ClinVar aggregate classification (germline): Uncertain significance (1 of 4 stars; one submission).

Conditions:
Bardet-Biedl syndrome (BBS). Identifiers: Orphanet 110, MedGen C0752166, MONDO:0015229.

Submission:

Labcorp Genetics (formerly Invitae), Labcorp
Classification: Uncertain significance for Bardet-Biedl syndrome. Last evaluated: 2024-10-22. Review status: criteria provided, single submitter. Criteria: Invitae Variant Classification Sherloc (09022015). Collection method: clinical testing. Allele origin: germline.
Comment: This sequence change replaces aspartic acid, which is acidic and polar, with valine, which is neutral and non-polar, at codon 260 of the WDPCP protein (p.Asp260Val). This variant is not present in population databases (gnomAD no frequency). This variant has not been reported in the literature in individuals affected with WDPCP-related conditions. ClinVar contains an entry for this variant (Variation ID: 1483418). Invitae Evidence Modeling of protein sequence and biophysical properties (such as structural, functional, and spatial information, amino acid conservation, physicochemical variation, residue mobility, and thermodynamic stability) has been performed for this missense variant. However, the output from this modeling did not meet the statistical confidence thresholds required to predict the impact of this variant on WDPCP protein function. In summary, the available evidence is currently insufficient to determine the role of this variant in disease. Therefore, it has been classified as a Variant of Uncertain Significance.